The following is an entry in ClinVar:

ClinVar aggregate classification (germline): Uncertain significance (1 of 4 stars; one submission).

Conditions:
Sulfite oxidase deficiency due to molybdenum cofactor deficiency type C. Also called: Molybdenum cofactor deficiency, complementation group C; Molybdenum cofactor deficiency C. Identifiers: Orphanet 308400, Orphanet 833, MedGen C1854990, MONDO:0014212, OMIM 615501.

gnomAD v4.1: 2 of 1,611,072 alleles (0.00012%); highest among the groups gnomAD compares: Admixed American, 0.0017%; no homozygotes.

Submission:

Labcorp Genetics (formerly Invitae), Labcorp
Classification: Uncertain significance for Sulfite oxidase deficiency due to molybdenum cofactor deficiency type C. Last evaluated: 2023-06-27. Review status: criteria provided, single submitter. Criteria: Invitae Variant Classification Sherloc (09022015). Collection method: clinical testing. Allele origin: germline.
Comment: This sequence change replaces arginine, which is basic and polar, with cysteine, which is neutral and slightly polar, at codon 597 of the GPHN protein (p.Arg597Cys). In summary, the available evidence is currently insufficient to determine the role of this variant in disease. Therefore, it has been classified as a Variant of Uncertain Significance. Advanced modeling of protein sequence and biophysical properties (such as structural, functional, and spatial information, amino acid conservation, physicochemical variation, residue mobility, and thermodynamic stability) performed at Invitae indicates that this missense variant is not expected to disrupt GPHN protein function. This variant has not been reported in the literature in individuals affected with GPHN-related conditions. This variant is present in population databases (no rsID available, gnomAD 0.003%).

NM_020806.5(GPHN):c.1789C>T (p.Arg597Cys)

Gene: GPHN (gephyrin; plus strand). Cytogenetic location: 14q23.3.
Variant type: single nucleotide variant.
Coding change: c.1789C>T on transcript NM_020806.5 (MANE Select); coding-DNA position 1789, C replaced by T.
Protein change: p.Arg597Cys; replaces arginine 597 with cysteine.
Molecular consequence: missense variant.
Genome position (GRCh38, 1-based): chr14:67,143,402, C>T. VCF-style: chr14-67143402-C-T. GRCh37 (hg19) VCF-style: chr14-67610119-C-T.
Other names: c.1690C>T, p.Arg564Cys (NM_001024218.2); c.1849C>T, p.Arg617Cys (NM_001377514.1); c.1819C>T, p.Arg607Cys (NM_001377515.1); c.1810C>T, p.Arg604Cys (NM_001377516.1); c.1762C>T, p.Arg588Cys (NM_001377517.1); c.1747C>T, p.Arg583Cys (NM_001377518.1); c.1729C>T, p.Arg577Cys (NM_001377519.1); short protein forms R617C, R583C, R564C, R597C, R607C, R577C, R588C, R604C.
Identifiers: ClinVar variation 2863801 (VCV002863801.3), dbSNP rs1360125120, ClinGen allele CA16040362.